The following is an entry in ClinVar:

NM_020921.4(NIN):c.1189A>C (p.Lys397Gln)

Gene: NIN (ninein; minus strand). Cytogenetic location: 14q22.1.
Variant type: single nucleotide variant.
Coding change: c.1189A>C on transcript NM_020921.4 (MANE Select); coding-DNA position 1189, A replaced by C.
Protein change: p.Lys397Gln; replaces lysine 397 with glutamine.
Molecular consequence: missense variant.
Genome position (GRCh38, 1-based): chr14:50,770,922, T>G on the plus strand (A>C on the coding strand, the complement: NIN is on the minus strand). VCF-style: chr14-50770922-T-G. GRCh37 (hg19) VCF-style: chr14-51237640-T-G.
Other names: c.1189A>C (NM_020921.3); c.1189A>C, p.Lys397Gln (NM_016350.5, NM_182944.3, NM_182946.2); short protein forms K397Q.
Identifiers: ClinVar variation 2898923 (VCV002898923.4), dbSNP rs763093140, ClinGen allele CA7182263.
Genomic context (GRCh38, chr14:50,770,922, plus strand): 5'-ACTCATTCCGCCGCTCTATGGCCGCATGGTGATCATCCACCTCCGAGGCCATTAAAGACT[T>G]GAGCTTCTCGGCCTTGTCCAGATCTGACCGTAGCTTCTCTTTTTCTCTGACCACCTGATC-3'
Protein context (NP_065972.4, residues 387-407): RSDLDKAEKL[Lys397Gln]SLMASEVDDH

ClinVar aggregate classification (germline): Uncertain significance. Review status: criteria provided, multiple submitters, no conflicts (2 of 4 stars). 2 submissions from 2 submitters: Uncertain significance (2). Last evaluated 2025-02-28.

Allele frequency attached by ClinVar (database versions not stated): gnomAD exomes 0.00002; ExAC 0.00002; gnomAD 0.00002; TOPMed 0.00003.
gnomAD v4.1: 31 of 1,613,768 alleles (0.0019%); highest among the groups gnomAD compares: Middle Eastern, 0.016%; no homozygotes.

Submissions (2):

Labcorp Genetics (formerly Invitae), Labcorp
Classification: Uncertain significance. Last evaluated: 2025-02-28. Review status: criteria provided, single submitter. Criteria: Invitae Variant Classification Sherloc (09022015). Collection method: clinical testing. Allele origin: germline.
Comment: This sequence change replaces lysine, which is basic and polar, with glutamine, which is neutral and polar, at codon 397 of the NIN protein (p.Lys397Gln). This variant is present in population databases (rs763093140, gnomAD 0.02%). This variant has not been reported in the literature in individuals affected with NIN-related conditions. ClinVar contains an entry for this variant (Variation ID: 2898923). An algorithm developed to predict the effect of missense changes on protein structure and function (PolyPhen-2) suggests that this variant is likely to be disruptive. In summary, the available evidence is currently insufficient to determine the role of this variant in disease. Therefore, it has been classified as a Variant of Uncertain Significance.

Ambry Genetics
Classification: Uncertain significance. Last evaluated: 2024-03-18. Review status: criteria provided, single submitter. Criteria: Ambry Variant Classification Scheme 2023. Collection method: clinical testing. Allele origin: germline.